The following is an entry in ClinVar:

NM_015087.5(SPART):c.*524A>G

Gene: SPART (spartin; minus strand). Cytogenetic location: 13q13.3.
Variant type: single nucleotide variant.
Coding change: c.*524A>G on transcript NM_015087.5 (MANE Select); 524 bases downstream of the stop codon, A replaced by G.
Molecular consequence: 3 prime UTR variant.
Genome position (GRCh38, 1-based): chr13:36,303,841, T>C on the plus strand (A>G on the coding strand, the complement: SPART is on the minus strand). VCF-style: chr13-36303841-T-C. GRCh37 (hg19) VCF-style: chr13-36877978-T-C.
Other names: c.*524A>G (NM_001142294.2, NM_001142295.2, NM_001142296.2).
Identifiers: ClinVar variation 311759 (VCV000311759.6), dbSNP rs1054141, ClinGen allele CA10644215.

ClinVar aggregate classification (germline): Likely benign. Review status: criteria provided, multiple submitters, no conflicts (2 of 4 stars). 2 submissions from 2 submitters: Likely benign (2). Last evaluated 2017-04-27.

Conditions:
Troyer syndrome (SPG20). Identifiers: Orphanet 101000, MedGen C0393559, MONDO:0010156, OMIM 275900.

Allele frequency attached by ClinVar (database versions not stated): gnomAD exomes 0.25634; 1000 Genomes Project 30x 0.28420; 1000 Genomes Project 0.28874; TOPMed 0.24280; gnomAD 0.24371.
gnomAD v4.1: 37,681 of 154,252 alleles (24%); highest among the groups gnomAD compares: East Asian, 51%; 5,003 homozygotes.

Submissions (2):

Illumina Laboratory Services, Illumina
Classification: Likely benign for Troyer syndrome. Last evaluated: 2017-04-27. Review status: criteria provided, single submitter. Criteria: ICSL Variant Classification Criteria 13 December 2019. Collection method: clinical testing. Allele origin: germline.
Comment: This variant was observed as part of a predisposition screen in an ostensibly healthy population. A literature search was performed for the gene, cDNA change, and amino acid change (where applicable). No publications were found based on this search. Allele frequency data from public databases allowed determination this variant is unlikely to cause disease. Therefore, this variant is classified as likely benign.

Breakthrough Genomics
Classification: Likely benign. Review status: criteria provided, single submitter. Criteria: ACMG Guidelines, 2015. Collection method: not provided. Allele origin: germline. Inheritance: Autosomal recessive inheritance. Affected: yes.